The following is an entry in ClinVar:

ClinVar aggregate classification (germline): Uncertain significance (1 of 4 stars; one submission).

Submission:

GeneDx
Classification: Uncertain significance. Last evaluated: 2024-01-04. Review status: criteria provided, single submitter. Criteria: GeneDx Variant Classification Process June 2021. Collection method: clinical testing. Allele origin: germline. Affected: yes.
Comment: Not observed at significant frequency in large population cohorts (gnomAD); In silico analysis supports that this variant does not alter splicing; Has not been previously published as pathogenic or benign to our knowledge

NM_003718.5(CDK13):c.2703-13T>A

Gene: CDK13 (cyclin dependent kinase 13; plus strand). Cytogenetic location: 7p14.1.
Variant type: single nucleotide variant.
Coding change: c.2703-13T>A on transcript NM_003718.5 (MANE Select); 13 bases into the intron before coding-DNA position 2703, T replaced by A.
Molecular consequence: intron variant.
Genome position (GRCh38, 1-based): chr7:40,063,010, T>A. VCF-style: chr7-40063010-T-A. GRCh37 (hg19) VCF-style: chr7-40102609-T-A.
Other names: c.2703-13T>A (NM_031267.3).
Identifiers: ClinVar variation 3343899 (VCV003343899.1).
Genomic context (GRCh38, chr7:40,063,010, plus strand): 5'-TTTATTTTACTTGAAACTTTTGGTAGTGAATTAAAATAGATCATTTGGTAATGACGGGTA[T>A]TTTTTCCATTAGCTGTATCCTTGGCGAACTCTTCACTAAAAAACCTATATTTCAAGCAAA-3'